The following is an entry in ClinVar:

ClinVar aggregate classification (germline): Likely pathogenic (1 of 4 stars; one submission).

Conditions:
Legius syndrome. Identifiers: Orphanet 137605, MedGen C1969623, MONDO:0012669, OMIM 611431. Disease mechanism: loss of function.

Submission:

The Shared Resource Centre "Genome", Research Centre for Medical Genetics
Classification: Likely pathogenic for Legius syndrome. Last evaluated: 2026-06-25. Review status: criteria provided, single submitter. Criteria: ACMG Guidelines, 2015. Collection method: clinical testing. Allele origin: germline. Inheritance: Autosomal dominant inheritance. Affected: yes. Observed: 1 variant allele, 1 heterozygote.
Comment: Classified as Likely pathogenic according to ACMG/AMP 2015 criteria (Richards et al., 2015): PVS1, PM2. Variant identified in a Russian cohort referred for suspected Noonan syndrome or Noonan-like phenotypes; not previously reported in HGMD Professional or ClinVar at the time of analysis.

NM_152594.3(SPRED1):c.841_842del (p.Gln281fs)

Gene: SPRED1 (sprouty related EVH1 domain containing 1; plus strand). Cytogenetic location: 15q14.
Variant type: Deletion.
Coding change: c.841_842del on transcript NM_152594.3 (MANE Select); coding-DNA positions 841 to 842, 2 bases deleted (CA; older notation c.841_842delCA).
Protein change: p.Gln281fs; shifts the reading frame from glutamine 281.
Molecular consequence: frameshift variant.
Genome position (GRCh38, 1-based): chr15:38,351,170-38,351,171, CA deleted. VCF-style (leftmost placement, unchanged base first): chr15-38351169-TCA-T. GRCh37 (hg19) VCF-style: chr15-38643370-TCA-T.
Other names: short protein forms Q281fs.
Identifiers: ClinVar variation 4857317 (VCV004857317.1).